The following is an entry in ClinVar:

NM_006118.4(HAX1):c.502A>G (p.Arg168Gly)

Gene: HAX1 (HCLS1 associated protein X-1; plus strand). Cytogenetic location: 1q21.3.
Variant type: single nucleotide variant.
Coding change: c.502A>G on transcript NM_006118.4 (MANE Select); coding-DNA position 502, A replaced by G.
Protein change: p.Arg168Gly; replaces arginine 168 with glycine.
Molecular consequence: missense variant.
Genome position (GRCh38, 1-based): chr1:154,273,959, A>G. VCF-style: chr1-154273959-A-G. GRCh37 (hg19) VCF-style: chr1-154246435-A-G.
Other names: c.358A>G, p.Arg120Gly (NM_001018837.2); short protein forms R168G, R120G.
Identifiers: ClinVar variation 4842734 (VCV004842734.1).
Genomic context (GRCh38, chr1:154,273,959, plus strand): 5'-GATGCAAGAAGTGAATCCCCCCAACCAGCACCAGACTGGGGCTCCCAGAGGCCATTTCAT[A>G]GGGTGAGTATCCCATCTGGTCCTGAAGTGAGAGCTTGTGAGAGACCACTAATAAAGTGCA-3'
Protein context (NP_006109.2, residues 158-178): PDWGSQRPFH[Arg168Gly]FDDVWPMDPH

ClinVar aggregate classification (germline): Uncertain significance (1 of 4 stars; one submission).

Conditions:
Inborn genetic diseases. Identifiers: MedGen C0950123, MeSH D030342.

Submission:

Ambry Genetics
Classification: Uncertain significance for Inborn genetic diseases. Last evaluated: 2026-01-04. Review status: criteria provided, single submitter. Criteria: Ambry Variant Classification Scheme 2023. Collection method: clinical testing. Allele origin: germline.
Comment: The p.R168G variant (also known as c.502A>G), located in coding exon 3 of the HAX1 gene, results from an A to G substitution at nucleotide position 502. The arginine at codon 168 is replaced by glycine, an amino acid with dissimilar properties. This amino acid position is conserved. In addition, this alteration is predicted to be tolerated by in silico analysis. Based on the available evidence, the clinical significance of this variant remains unclear.